The following is an entry in ClinVar:

ClinVar aggregate classification (germline): Uncertain significance. Review status: criteria provided, multiple submitters, no conflicts (2 of 4 stars). 2 submissions from 2 submitters: Uncertain significance (2). Last evaluated 2025-12-11.

Allele frequency attached by ClinVar (database versions not stated): gnomAD 0.00001; gnomAD exomes 0.00001; TOPMed 0.00003.
gnomAD v4.1: 12 of 1,613,196 alleles (0.00074%); highest among the groups gnomAD compares: Non-Finnish European, 0.001%; no homozygotes.

Submissions (2):

Mayo Clinic Laboratories, Mayo Clinic
Classification: Uncertain significance. Last evaluated: 2025-12-11. Review status: criteria provided, single submitter. Criteria: ACMG Guidelines, 2015. Collection method: clinical testing. Allele origin: germline. Observed: 1 variant allele.
Comment: PP3, PM2_supporting

Labcorp Genetics (formerly Invitae), Labcorp
Classification: Uncertain significance. Last evaluated: 2024-04-08. Review status: criteria provided, single submitter. Criteria: Invitae Variant Classification Sherloc (09022015). Collection method: clinical testing. Allele origin: germline.
Comment: This sequence change replaces arginine, which is basic and polar, with histidine, which is basic and polar, at codon 173 of the MTHFD1 protein (p.Arg173His). This variant is present in population databases (rs781698121, gnomAD 0.002%). This variant has not been reported in the literature in individuals affected with MTHFD1-related conditions. ClinVar contains an entry for this variant (Variation ID: 2181073). Advanced modeling of protein sequence and biophysical properties (such as structural, functional, and spatial information, amino acid conservation, physicochemical variation, residue mobility, and thermodynamic stability) performed at Invitae indicates that this missense variant is expected to disrupt MTHFD1 protein function with a positive predictive value of 80%. In summary, the available evidence is currently insufficient to determine the role of this variant in disease. Therefore, it has been classified as a Variant of Uncertain Significance.

NM_005956.4(MTHFD1):c.518G>A (p.Arg173His)

Gene: MTHFD1 (methylenetetrahydrofolate dehydrogenase, cyclohydrolase and formyltetrahydrofolate synthetase 1; plus strand). Cytogenetic location: 14q23.3.
Variant type: single nucleotide variant.
Coding change: c.518G>A on transcript NM_005956.4 (MANE Select); coding-DNA position 518, G replaced by A.
Protein change: p.Arg173His; replaces arginine 173 with histidine.
Molecular consequence: missense variant.
Genome position (GRCh38, 1-based): chr14:64,417,927, G>A. VCF-style: chr14-64417927-G-A. GRCh37 (hg19) VCF-style: chr14-64884645-G-A.
Other names: p.Arg173His; c.518G>A, p.Arg173His (NM_001364837.1); short protein forms R173H.
Identifiers: ClinVar variation 2181073 (VCV002181073.4), dbSNP rs781698121, ClinGen allele CA261830124.
Genomic context (GRCh38, chr14:64,417,927, plus strand): 5'-GCAGGCTGGCTTTTCTTTCAGGGGTGCCGATTGCCGGAAGGCATGCTGTGGTGGTTGGGC[G>A]CAGTAAAATAGTTGGGGCCCCGATGCATGACTTGCTTCTGTGGAACAATGCCACAGTGAC-3'
Protein context (NP_005947.3, residues 163-183): IAGRHAVVVG[Arg173His]SKIVGAPMHD